The following is an entry in ClinVar:

NM_022356.4(P3H1):c.939_940del (p.Ile314fs)

Gene: P3H1 (prolyl 3-hydroxylase 1; minus strand). Cytogenetic location: 1p34.2.
Variant type: Deletion.
Coding change: c.939_940del on transcript NM_022356.4 (MANE Select); coding-DNA positions 939 to 940, 2 bases deleted (CA; older notation c.939_940delCA).
Protein change: p.Ile314fs; shifts the reading frame from isoleucine 314.
Molecular consequence: frameshift variant.
Genome position (GRCh38, 1-based): chr1:42,758,852-42,758,853, TG deleted on the plus strand (CA on the coding strand, the reverse complement: P3H1 is on the minus strand); deleting any 2 consecutive bases within chr1:42,758,852-42,758,854 gives the same sequence; the c. name uses the placement nearest the transcript's 3' end. VCF-style (leftmost placement, unchanged base first): chr1-42758851-CTG-C. GRCh37 (hg19) VCF-style: chr1-43224522-CTG-C.
Other names: c.939_940del, p.Ile314fs (NM_001146289.2, NM_001243246.2); short protein forms I314fs.
Identifiers: ClinVar variation 2742930 (VCV002742930.3), dbSNP rs2524469783, ClinGen allele CA2697552331.

ClinVar aggregate classification (germline): Pathogenic (1 of 4 stars; one submission).

Conditions:
Osteogenesis imperfecta type 8 (OI8). Identifiers: MedGen C1970458, MONDO:0012581, OMIM 610915.

Submission:

Labcorp Genetics (formerly Invitae), Labcorp
Classification: Pathogenic for Osteogenesis imperfecta type 8. Last evaluated: 2023-07-13. Review status: criteria provided, single submitter. Criteria: Invitae Variant Classification Sherloc (09022015). Collection method: clinical testing. Allele origin: germline.
Comment: For these reasons, this variant has been classified as Pathogenic. Algorithms developed to predict the effect of sequence changes on RNA splicing suggest that this variant may disrupt the consensus splice site. This variant has not been reported in the literature in individuals affected with P3H1-related conditions. This variant is not present in population databases (gnomAD no frequency). This sequence change creates a premature translational stop signal (p.Ile314Trpfs*8) in the P3H1 gene. It is expected to result in an absent or disrupted protein product. Loss-of-function variants in P3H1 are known to be pathogenic (PMID: 17277775, 18566967, 19088120, 22281939).

Literature cited by the submitters: PubMed 17277775; PubMed 18566967; PubMed 19088120; PubMed 22281939.